The following is an entry in ClinVar:

ClinVar aggregate classification (germline): Uncertain significance (1 of 4 stars; one submission).

Conditions:
NTRK2-related disorder. Also called: NTRK2-related condition.

Submission:

PreventionGenetics, part of Exact Sciences
Classification: Uncertain significance for NTRK2-related condition. Last evaluated: 2026-04-03. Review status: criteria provided, single submitter. Criteria: ACMG Guidelines, 2015. Collection method: clinical testing. Allele origin: germline.
Comment: The NTRK2 c.1657G>A variant is predicted to result in the amino acid substitution p.Ala553Thr. To our knowledge, this variant has not been reported in the literature. This variant is reported in 0.0062% of alleles in individuals of African descent in gnomAD. At this time, the clinical significance of this variant is uncertain due to the absence of conclusive functional and genetic evidence.

NM_006180.6(NTRK2):c.1633+4381G>A

Gene: NTRK2 (neurotrophic receptor tyrosine kinase 2; plus strand). Cytogenetic location: 9q21.33.
Variant type: single nucleotide variant.
Coding change: c.1633+4381G>A on transcript NM_006180.6 (MANE Select); 4381 bases into the intron after coding-DNA position 1633, G replaced by A.
Molecular consequence: intron variant. On other transcripts: missense variant (4).
Genome position (GRCh38, 1-based): chr9:84,871,812, G>A. VCF-style: chr9-84871812-G-A. GRCh37 (hg19) VCF-style: chr9-87486727-G-A.
Other names: c.1657G>A, p.Ala553Thr (NM_001018065.2, NM_001369537.1); c.1609G>A, p.Ala537Thr (NM_001018066.3, NM_001369538.1); c.1585+4381G>A (NM_001369532.1, NM_001369533.1, NM_001018064.3); c.1549+4381G>A (NM_001369534.1); c.1165+4381G>A (NM_001369536.1); c.1117+4381G>A (NM_001369535.1); short protein forms A553T, A537T.
Identifiers: ClinVar variation 4988244 (VCV004988244.1).